The following is an entry in ClinVar:

ClinVar aggregate classification (germline): Benign. Review status: criteria provided, multiple submitters, no conflicts (2 of 4 stars). 4 submissions from 4 submitters: Benign (4). Last evaluated 2023-11-12.

Conditions:
Prolidase deficiency. Identifiers: Orphanet 742, MedGen C0268532, MONDO:0008221, OMIM 170100.

Allele frequency attached by ClinVar (database versions not stated): 1000 Genomes Project 0.25839; 1000 Genomes Project 30x 0.25937; gnomAD 0.28323 and 0.29004; TOPMed 0.28717; ESP Exome Variant Server 0.29037.
gnomAD v4.1: 406,805 of 1,608,048 alleles (25%); highest among the groups gnomAD compares: African/African-American, 40%; 53,412 homozygotes.

Submissions (4):

Unidad de Genómica Garrahan, Hospital de Pediatría Garrahan
Classification: Benign. Last evaluated: 2023-11-12. Review status: criteria provided, single submitter. Criteria: ACMG Guidelines, 2015. Collection method: clinical testing. Allele origin: germline. Affected: no. Observed: 24 variant alleles.
Comment: This variant is classified as Benign based on local population frequency. This variant was detected in 25% of patients studied by a panel of primary immunodeficiencies. Number of patients: 24. Only high quality variants are reported.

GeneDx
Classification: Benign. Last evaluated: 2018-11-12. Review status: criteria provided, single submitter. Criteria: GeneDx Variant Classification Process June 2021. Collection method: clinical testing. Allele origin: germline. Affected: yes.

Illumina Laboratory Services, Illumina
Classification: Benign for Prolidase deficiency. Last evaluated: 2018-01-12. Review status: criteria provided, single submitter. Criteria: ICSL Variant Classification Criteria 13 December 2019. Collection method: clinical testing. Allele origin: germline.
Comment: This variant was observed in the ICSL laboratory as part of a predisposition screen in an ostensibly healthy population. It had not been previously curated by ICSL or reported in the Human Gene Mutation Database (HGMD: prior to June 1st, 2018), and was therefore a candidate for classification through an automated scoring system. Utilizing variant allele frequency, disease prevalence and penetrance estimates, and inheritance mode, an automated score was calculated to assess if this variant is too frequent to cause the disease. Based on the score and internal cut-off values, a variant classified as benign is not then subjected to further curation. The score for this variant resulted in a classification of benign for this disease.

Breakthrough Genomics
Classification: Benign. Review status: criteria provided, single submitter. Criteria: ACMG Guidelines, 2015. Collection method: not provided. Allele origin: germline. Inheritance: Autosomal recessive inheritance. Affected: yes.

NM_000285.4(PEPD):c.*52T>C

Gene: PEPD (peptidase D; minus strand). Cytogenetic location: 19q13.11.
Variant type: single nucleotide variant.
Coding change: c.*52T>C on transcript NM_000285.4 (MANE Select); 52 bases downstream of the stop codon, T replaced by C.
Molecular consequence: 3 prime UTR variant.
Genome position (GRCh38, 1-based): chr19:33,387,292, A>G on the plus strand (T>C on the coding strand, the complement: PEPD is on the minus strand). VCF-style: chr19-33387292-A-G. GRCh37 (hg19) VCF-style: chr19-33878198-A-G.
Other names: c.*52T>C (NM_001166056.2, NM_001166057.2).
Identifiers: ClinVar variation 328781 (VCV000328781.10), dbSNP rs1061338, ClinGen allele CA10651744.